The following is an entry in ClinVar:

ClinVar aggregate classification (germline): Likely benign. Review status: criteria provided, multiple submitters, no conflicts (2 of 4 stars). 2 submissions from 2 submitters: Likely benign (2). Last evaluated 2026-01-13.

Conditions:
Autosomal dominant nonsyndromic hearing loss 1. Also called: KONIGSMARK SYNDROME; DEAFNESS, AUTOSOMAL DOMINANT 1, WITH OR WITHOUT THROMBOCYTOPENIA. Identifiers: Orphanet 90635, MedGen C1852282, MONDO:0007424, OMIM 124900.
Progressive microcephaly-seizures-cortical blindness-developmental delay syndrome. Also called: Seizures, cortical blindness, and microcephaly syndrome. Identifiers: Orphanet 477814, MedGen C5567650, MONDO:0014714, OMIM 616632.

Allele frequency attached by ClinVar (database versions not stated): gnomAD exomes 0.00002 and 0.00004; ExAC 0.00006; ESP Exome Variant Server 0.00008; TOPMed 0.00012; gnomAD 0.00013; 1000 Genomes Project 30x 0.00016; 1000 Genomes Project 0.00020.
gnomAD v4.1: 51 of 1,614,106 alleles (0.0032%); highest among the groups gnomAD compares: African/African-American, 0.043%; no homozygotes.

Submissions (2):

Labcorp Genetics (formerly Invitae), Labcorp
Classification: Likely benign for Progressive microcephaly-seizures-cortical blindness-developmental delay syndrome; Autosomal dominant nonsyndromic hearing loss 1. Last evaluated: 2026-01-13. Review status: criteria provided, single submitter. Criteria: Invitae Variant Classification Sherloc (09022015). Collection method: clinical testing. Allele origin: germline.

Laboratory for Molecular Medicine, Mass General Brigham Personalized Medicine
Classification: Likely benign. Last evaluated: 2013-11-19. Review status: criteria provided, single submitter. Criteria: LMM Criteria. Collection method: clinical testing. Allele origin: germline. Observed: 1 variant allele.
Comment: 3662-14G>A in Intron 27 of DIAPH1: This variant is not expected to have clinical significance because it is not located within the conserved region of the splic e consensus sequence and computational tools do not predict an impact to splicin g. This variant has been identified in 1/3978 (0.02%) African American chromosom es by the NHLBI Exome Sequencing Project (dbS NP rs369935242).

NM_005219.5(DIAPH1):c.3662-14G>A

Gene: DIAPH1 (diaphanous related formin 1; minus strand). Cytogenetic location: 5q31.3.
Variant type: single nucleotide variant.
Coding change: c.3662-14G>A on transcript NM_005219.5 (MANE Select); 14 bases into the intron before coding-DNA position 3662, G replaced by A.
Molecular consequence: intron variant.
Genome position (GRCh38, 1-based): chr5:141,517,022, C>T on the plus strand (G>A on the coding strand, the complement: DIAPH1 is on the minus strand). VCF-style: chr5-141517022-C-T. GRCh37 (hg19) VCF-style: chr5-140896589-C-T.
Other names: c.3715-14G>A (NM_001314007.2); c.3635-14G>A (NM_001079812.3).
Identifiers: ClinVar variation 179399 (VCV000179399.12), dbSNP rs369935242, ClinGen allele CA184345.